The following is an entry in ClinVar:

ClinVar aggregate classification (germline): Uncertain significance (1 of 4 stars; one submission).

Allele frequency attached by ClinVar (database versions not stated): gnomAD exomes below 0.00001.
gnomAD v4.1: 1 of 1,614,214 alleles (0.000062%); highest among the groups gnomAD compares: Non-Finnish European, 0.000085%; no homozygotes.

Submission:

CeGaT Center for Human Genetics Tuebingen
Classification: Uncertain significance. Last evaluated: 2023-05-01. Review status: criteria provided, single submitter. Criteria: CeGaT Center For Human Genetics Tuebingen Variant Classification Criteria Version 2. Collection method: clinical testing. Allele origin: germline. Affected: yes. Observed: 1 variant allele.
Comment: SMARCC2: PP2

NM_001330288.2(SMARCC2):c.2765T>C (p.Leu922Pro)

Gene: SMARCC2 (SWI/SNF related BAF chromatin remodeling complex subunit C2; minus strand). Cytogenetic location: 12q13.2.
Variant type: single nucleotide variant.
Coding change: c.2765T>C on transcript NM_001330288.2 (MANE Select); coding-DNA position 2765, T replaced by C.
Protein change: p.Leu922Pro; replaces leucine 922 with proline.
Molecular consequence: missense variant.
Genome position (GRCh38, 1-based): chr12:56,168,145, A>G on the plus strand (T>C on the coding strand, the complement: SMARCC2 is on the minus strand). VCF-style: chr12-56168145-A-G. GRCh37 (hg19) VCF-style: chr12-56561929-A-G.
Other names: c.2672T>C, p.Leu891Pro (NM_003075.5); c.2765T>C, p.Leu922Pro (NM_139067.4, NM_001130420.3); short protein forms L891P, L922P.
Identifiers: ClinVar variation 2570834 (VCV002570834.27), dbSNP rs1565896474, ClinGen allele CA385340969.